The following is an entry in ClinVar:

NM_002738.7(PRKCB):c.1200G>A (p.Pro400=)

Gene: PRKCB (protein kinase C beta; plus strand). Cytogenetic location: 16p12.2.
Variant type: single nucleotide variant.
Coding change: c.1200G>A on transcript NM_002738.7 (MANE Select); coding-DNA position 1200, G replaced by A.
Protein change: p.Pro400=; no amino-acid change (proline 400 retained).
Molecular consequence: synonymous variant.
Genome position (GRCh38, 1-based): chr16:24,154,818, G>A. VCF-style: chr16-24154818-G-A. GRCh37 (hg19) VCF-style: chr16-24166139-G-A.
Other names: c.1200G>A, p.Pro400= (NM_212535.3).
Identifiers: ClinVar variation 4986143 (VCV004986143.1).

ClinVar aggregate classification (germline): Likely benign (1 of 4 stars; one submission).

Conditions:
PRKCB-related disorder. Also called: PRKCB-related condition.

gnomAD v4.1: 58 of 1,613,934 alleles (0.0036%); highest among the groups gnomAD compares: East Asian, 0.013%; no homozygotes.

Submission:

PreventionGenetics, part of Exact Sciences
Classification: Likely benign for PRKCB-related condition. Last evaluated: 2026-06-24. Review status: criteria provided, single submitter. Criteria: ACMG Guidelines, 2015. Collection method: clinical testing. Allele origin: germline.
Comment: This variant is classified as likely benign based on ACMG/AMP sequence variant interpretation guidelines (Richards et al. 2015 PMID: 25741868, with internal and published modifications).